The following is an entry in ClinVar:

NM_016333.4(SRRM2):c.3400G>C (p.Glu1134Gln)

Gene: SRRM2 (serine/arginine repetitive matrix 2; plus strand). Cytogenetic location: 16p13.3.
Variant type: single nucleotide variant.
Coding change: c.3400G>C on transcript NM_016333.4 (MANE Select); coding-DNA position 3400, G replaced by C.
Protein change: p.Glu1134Gln; replaces glutamic acid 1134 with glutamine.
Molecular consequence: missense variant.
Genome position (GRCh38, 1-based): chr16:2,763,928, G>C. VCF-style: chr16-2763928-G-C. GRCh37 (hg19) VCF-style: chr16-2813929-G-C.
Other names: short protein forms E1134Q.
Identifiers: ClinVar variation 4282334 (VCV004282334.1).
Genomic context (GRCh38, chr16:2,763,928, plus strand): 5'-ATAAGACAAGATAGAGGTGAGTTCTCAGCGAGTCCTATGTTGAAATCTGGAATGTCTCCT[G>C]AGCAGAGCAGGTTCCAGTCTGACTCTTCTTCATATCCTACAGTGGACTCGAATTCTCTCT-3'
Protein context (NP_057417.3, residues 1124-1144): SPMLKSGMSP[Glu1134Gln]QSRFQSDSSS

ClinVar aggregate classification (germline): Uncertain significance (1 of 4 stars; one submission).

Submission:

GeneDx
Classification: Uncertain significance. Last evaluated: 2025-04-20. Review status: criteria provided, single submitter. Criteria: GeneDx Variant Classification Process June 2021. Collection method: clinical testing. Allele origin: germline. Affected: yes.
Comment: Not observed at significant frequency in large population cohorts (gnomAD); In silico analysis indicates that this missense variant does not alter protein structure/function; Has not been previously published as pathogenic or benign to our knowledge